The following is an entry in ClinVar:

ClinVar aggregate classification (germline): Conflicting classifications of pathogenicity. Review status: criteria provided, conflicting classifications (1 of 4 stars). 3 submissions from 3 submitters: Uncertain significance (1); Likely benign (2). Last evaluated 2024-11-20.

Allele frequency attached by ClinVar (database versions not stated): TOPMed 0.00002; gnomAD 0.00003; gnomAD exomes 0.00004 and 0.00005; ExAC 0.00008; ESP Exome Variant Server 0.00009.
gnomAD v4.1: 51 of 1,202,854 alleles (0.0042%); highest among the groups gnomAD compares: Middle Eastern, 0.093%; no homozygotes.

Submissions (3):

Blueprint Genetics
Classification: Likely benign. Last evaluated: 2024-11-20. Review status: criteria provided, single submitter. Criteria: ACMG Guidelines, 2015. Collection method: clinical testing. Allele origin: germline.

Labcorp Genetics (formerly Invitae), Labcorp
Classification: Uncertain significance. Last evaluated: 2024-06-24. Review status: criteria provided, single submitter. Criteria: Invitae Variant Classification Sherloc (09022015). Collection method: clinical testing. Allele origin: germline.
Comment: This sequence change replaces glycine, which is neutral and non-polar, with serine, which is neutral and polar, at codon 1866 of the CACNA1F protein (p.Gly1866Ser). This variant is present in population databases (rs367608150, gnomAD 0.007%). This variant has not been reported in the literature in individuals affected with CACNA1F-related conditions. ClinVar contains an entry for this variant (Variation ID: 840496). Algorithms developed to predict the effect of missense changes on protein structure and function output the following: SIFT: "Not Available"; PolyPhen-2: "Benign"; Align-GVGD: "Not Available". The serine amino acid residue is found in multiple mammalian species, which suggests that this missense change does not adversely affect protein function. In summary, the available evidence is currently insufficient to determine the role of this variant in disease. Therefore, it has been classified as a Variant of Uncertain Significance.

CeGaT Center for Human Genetics Tuebingen
Classification: Likely benign. Last evaluated: 2022-12-01. Review status: criteria provided, single submitter. Criteria: CeGaT Center For Human Genetics Tuebingen Variant Classification Criteria Version 2. Collection method: clinical testing. Allele origin: germline. Affected: yes. Observed: 1 variant allele.
Comment: CACNA1F: BP4, BS2

NM_001256789.3(CACNA1F):c.5563G>A (p.Gly1855Ser)

Gene: CACNA1F (calcium voltage-gated channel subunit alpha1 F; minus strand). Cytogenetic location: Xp11.23.
Variant type: single nucleotide variant.
Coding change: c.5563G>A on transcript NM_001256789.3 (MANE Select); coding-DNA position 5563, G replaced by A.
Protein change: p.Gly1855Ser; replaces glycine 1855 with serine.
Molecular consequence: missense variant.
Genome position (GRCh38, 1-based): chrX:49,205,723, C>T on the plus strand (G>A on the coding strand, the complement: CACNA1F is on the minus strand). VCF-style: chrX-49205723-C-T. GRCh37 (hg19) VCF-style: chrX-49062183-C-T.
Other names: c.5401G>A, p.Gly1801Ser (NM_001256790.3); c.5596G>A, p.Gly1866Ser (NM_005183.4); short protein forms G1855S, G1866S, G1801S.
Identifiers: ClinVar variation 840496 (VCV000840496.34), dbSNP rs367608150, ClinGen allele CA10409950.